The following is an entry in ClinVar:

NM_001849.4(COL6A2):c.1415G>C (p.Gly472Ala)

Gene: COL6A2 (collagen type VI alpha 2 chain; plus strand). Cytogenetic location: 21q22.3.
Variant type: single nucleotide variant.
Coding change: c.1415G>C on transcript NM_001849.4 (MANE Select); coding-DNA position 1415, G replaced by C.
Protein change: p.Gly472Ala; replaces glycine 472 with alanine.
Molecular consequence: missense variant.
Genome position (GRCh38, 1-based): chr21:46,121,080, G>C. VCF-style: chr21-46121080-G-C. GRCh37 (hg19) VCF-style: chr21-47540994-G-C.
Other names: c.1415G>C, p.Gly472Ala (NM_058174.3, NM_058175.3); short protein forms G472A.
Identifiers: ClinVar variation 3665313 (VCV003665313.2).
Genomic context (GRCh38, chr21:46,121,080, plus strand): 5'-TGTCAGTCAAGAGAACCCCAAATTCCTCCCCTTTCTTCCAGGGAGACCGAGGCTTGCCTG[G>C]ACCCAGAGGCCCCCAGGGAGCTCTTGGGGAGCCCGGAAAGCAGGTCAGTGTCAGTGCAGG-3'
Protein context (NP_001840.3, residues 462-482): KGAKGDRGLP[Gly472Ala]PRGPQGALGE

ClinVar aggregate classification (germline): Uncertain significance (1 of 4 stars; one submission).

Conditions:
Bethlem myopathy 1A. Also called: MYOPATHY, BENIGN CONGENITAL, WITH CONTRACTURES; Bethlem myopathy 1; Bethlem Muscular Dystrophy. Identifiers: Orphanet 610, MedGen CN029274, MONDO:0024530, OMIM 158810.

Submission:

Labcorp Genetics (formerly Invitae), Labcorp
Classification: Uncertain significance for Bethlem myopathy 1A. Last evaluated: 2024-09-26. Review status: criteria provided, single submitter. Criteria: Invitae Variant Classification Sherloc (09022015). Collection method: clinical testing. Allele origin: germline.
Comment: This sequence change replaces glycine, which is neutral and non-polar, with alanine, which is neutral and non-polar, at codon 472 of the COL6A2 protein (p.Gly472Ala). This variant is not present in population databases (gnomAD no frequency). This variant has not been reported in the literature in individuals affected with COL6A2-related conditions. Invitae Evidence Modeling of protein sequence and biophysical properties (such as structural, functional, and spatial information, amino acid conservation, physicochemical variation, residue mobility, and thermodynamic stability) indicates that this missense variant is expected to disrupt COL6A2 protein function with a positive predictive value of 80%. This variant disrupts the triple helix domain of COL6A2. Glycine residues within the Gly-Xaa-Yaa repeats of the triple helix domain are required for the structure and stability of fibrillar collagens (PMID: 7695699, 8218237, 19344236). In COL6A2, missense variants at these glycine residues are significantly enriched in individuals with autosomal dominant disease (PMID: 15689448, 24038877) compared to the general population (ExAC). In summary, the available evidence is currently insufficient to determine the role of this variant in disease. Therefore, it has been classified as a Variant of Uncertain Significance.

Literature cited by the submitters: PubMed 7695699; PubMed 8218237; PubMed 19344236; PubMed 15689448; PubMed 24038877.